The following is an entry in ClinVar:

ClinVar aggregate classification (germline): Uncertain significance. Review status: criteria provided, multiple submitters, no conflicts (2 of 4 stars). 2 submissions from 2 submitters: Uncertain significance (2). Last evaluated 2025-01-21.

Submissions (2):

GeneDx
Classification: Uncertain significance. Last evaluated: 2025-01-21. Review status: criteria provided, single submitter. Criteria: GeneDx Variant Classification Process June 2021. Collection method: clinical testing. Allele origin: germline. Affected: yes.
Comment: Not observed at significant frequency in large population cohorts (gnomAD); In silico analysis supports that this missense variant has a deleterious effect on protein structure/function; Has not been previously published as pathogenic or benign to our knowledge

Labcorp Genetics (formerly Invitae), Labcorp
Classification: Uncertain significance. Last evaluated: 2024-02-04. Review status: criteria provided, single submitter. Criteria: Invitae Variant Classification Sherloc (09022015). Collection method: clinical testing. Allele origin: germline.
Comment: This sequence change replaces tyrosine, which is neutral and polar, with serine, which is neutral and polar, at codon 690 of the USP9X protein (p.Tyr690Ser). This variant is not present in population databases (gnomAD no frequency). This variant has not been reported in the literature in individuals affected with USP9X-related conditions. ClinVar contains an entry for this variant (Variation ID: 1329630). An algorithm developed to predict the effect of missense changes on protein structure and function (PolyPhen-2) suggests that this variant is likely to be tolerated. In summary, the available evidence is currently insufficient to determine the role of this variant in disease. Therefore, it has been classified as a Variant of Uncertain Significance.

NM_001039591.3(USP9X):c.2069A>C (p.Tyr690Ser)

Gene: USP9X (ubiquitin specific peptidase 9 X-linked; plus strand). Cytogenetic location: Xp11.4.
Variant type: single nucleotide variant.
Coding change: c.2069A>C on transcript NM_001039591.3 (MANE Select); coding-DNA position 2069, A replaced by C.
Protein change: p.Tyr690Ser; replaces tyrosine 690 with serine.
Molecular consequence: missense variant.
Genome position (GRCh38, 1-based): chrX:41,165,955, A>C. VCF-style: chrX-41165955-A-C. GRCh37 (hg19) VCF-style: chrX-41025208-A-C.
Other names: c.2069A>C, p.Tyr690Ser (NM_001039590.3); short protein forms Y690S.
Identifiers: ClinVar variation 1329630 (VCV001329630.7), dbSNP rs2147113673, ClinGen allele CA412752530.